The following is an entry in ClinVar:

ClinVar aggregate classification (germline): Conflicting classifications of pathogenicity. Review status: criteria provided, conflicting classifications (1 of 4 stars). 3 submissions from 3 submitters: Uncertain significance (2); Likely benign (1). Last evaluated 2026-07-01.

Conditions:
Bethlem myopathy 1A. Also called: Bethlem myopathy 1; Bethlem Muscular Dystrophy; MYOPATHY, BENIGN CONGENITAL, WITH CONTRACTURES. Identifiers: Orphanet 610, MedGen CN029274, MONDO:0024530, OMIM 158810.

Allele frequency attached by ClinVar (database versions not stated): gnomAD 0.00001 and 0.00002; gnomAD exomes 0.00001; TOPMed 0.00001; ExAC 0.00002; 1000 Genomes Project 30x 0.00016.
gnomAD v4.1: 15 of 1,613,444 alleles (0.00093%); highest among the groups gnomAD compares: African/African-American, 0.0027%; no homozygotes.

Submissions (3):

CeGaT Center for Human Genetics Tuebingen
Classification: Uncertain significance. Last evaluated: 2026-07-01. Review status: criteria provided, single submitter. Criteria: CeGaT Center For Human Genetics Tuebingen Variant Classification Criteria Version 2. Collection method: clinical testing. Allele origin: germline. Affected: yes. Observed: 1 variant allele.
Comment: COL6A3: PM2

Labcorp Genetics (formerly Invitae), Labcorp
Classification: Likely benign for Bethlem myopathy 1A. Last evaluated: 2022-08-22. Review status: criteria provided, single submitter. Criteria: Invitae Variant Classification Sherloc (09022015). Collection method: clinical testing. Allele origin: germline.

Revvity Omics, Revvity
Classification: Uncertain significance. Last evaluated: 2021-03-01. Review status: criteria provided, single submitter. Criteria: ACMG Guidelines, 2015. Collection method: clinical testing. Allele origin: germline.

NM_004369.4(COL6A3):c.4145C>T (p.Ser1382Leu)

Gene: COL6A3 (collagen type VI alpha 3 chain; minus strand). Cytogenetic location: 2q37.3.
Variant type: single nucleotide variant.
Coding change: c.4145C>T on transcript NM_004369.4 (MANE Select); coding-DNA position 4145, C replaced by T.
Protein change: p.Ser1382Leu; replaces serine 1382 with leucine.
Molecular consequence: missense variant.
Genome position (GRCh38, 1-based): chr2:237,371,872, G>A on the plus strand (C>T on the coding strand, the complement: COL6A3 is on the minus strand). VCF-style: chr2-237371872-G-A. GRCh37 (hg19) VCF-style: chr2-238280515-G-A.
Other names: c.2924C>T, p.Ser975Leu (NM_057164.5); c.3527C>T, p.Ser1176Leu (NM_057165.5, NM_057167.4); c.2324C>T, p.Ser775Leu (NM_057166.5); short protein forms S1382L, S1176L, S775L, S975L.
Identifiers: ClinVar variation 568377 (VCV000568377.12), dbSNP rs767829363, ClinGen allele CA2188986.